The following continues an entry in ClinVar:

NM_003001.5(SDHC):c.397C>T (p.Arg133Ter)

Gene: SDHC. ClinVar aggregate classification (germline): Pathogenic. Pathogenic (18).

Submissions 12 to 19 of 19:

Laboratory for Molecular Medicine, Mass General Brigham Personalized Medicine
Classification: Pathogenic for Hereditary pheochromocytoma and paraganglioma. Last evaluated: 2020-04-01. Review status: criteria provided, single submitter. Criteria: LMM Criteria. Collection method: clinical testing. Allele origin: germline. Inheritance: Autosomal dominant inheritance. Observed: 9 variant alleles.
Comment: The p.Arg133X variant in SDHC is believed to be a French Canadian founder variant and been reported in >20 individuals, of mainly French Canadian and French ancestry, with paragangliomas/pheochromocytomas (PGL/PCC: Zbuk 2007, Burnichon 2009, Ricketts 2012, Lefevre 2014, Bickmann 2014, Shuch 2016, Bourdeau 2016). This variant segregated with PGL/PCC in at least 4 affected relatives from 2 families (Bourdeau 2016). In another family (Shuch 2016), the p.Arg133X variant segregated with both renal cell carcinoma (2 affected relatives) and PGL/PCC (1 affected relative). The p.Arg133X variant has also been identified in 0.009% (3/30782) of South Asian chromosomes by gnomAD (dbSNP rs764575966). Please note that for diseases with clinical variability, reduced penetrance, or recessive inheritance, pathogenic variants may be present at a low frequency in the general population. This nonsense variant leads to a premature termination codon at position 133. This alteration occurs within the terminal 50 bases of the second to last exon and is more likely to escape nonsense mediated decay (NMD) and result in a truncated protein that is missing ~22% of the coding region, with 37 amino acids removed. In summary, this variant meets criteria to be classified as pathogenic for hereditary paraganglioma-pheochromocytoma syndromes in an autosomal dominant manner based on its presence in multiple affected individuals, segregation studies, and low frequency in controls. ACMG/AMP criteria applied: PVS1_Strong, PS4, PM2, PP1_Moderate.

ARUP Laboratories, Molecular Genetics and Genomics, ARUP Laboratories
Classification: Pathogenic. Last evaluated: 2020-03-31. Review status: criteria provided, single submitter. Criteria: ARUP Molecular Germline Variant Investigation Process. Collection method: clinical testing. Allele origin: germline.
Comment: The SDHC c.397C>T, p.Arg133Ter variant (rs764575966) has been reported in multiple patients diagnosed with hereditary paraganglioma syndrome (Bickmann 2014, Zbuk 2007), renal cancer (Ricketts 2012) or gastrointestinal tumors (Miettinen 2013). It is reported as pathogenic in ClinVar (Variation ID: 183753), and observed in the general population with an allele frequency of 0.004% (10/280,416 alleles) in the Genome Aggregation Database. This variant induces an early termination codon and is predicted to result in a truncated protein or mRNA subject to nonsense-mediated decay. Based on available information, this variant is considered to be pathogenic. REFERENCES Bickmann J et al. Phenotypic variability and risk of malignancy in SDHC-linked paragangliomas: lessons from three unrelated cases with an identical germline mutation (p.Arg133*). J Clin Endocrinol Metab. 2014; 99(3):E489-96. Miettinen M et al. Immunohistochemical loss of succinate dehydrogenase subunit A (SDHA) in gastrointestinal stromal tumors (GISTs) signals SDHA germline mutation. Am J Surg Pathol. 2013; 37(2):234-40. Ricketts C et al. Succinate dehydrogenase kidney cancer: an aggressive example of the Warburg effect in cancer. J Urol. 2012; 188(6):2063-71. Zbuk K et al. Germline mutations in PTEN and SDHC in a woman with epithelial thyroid cancer and carotid paraganglioma. Nat Clin Pract Oncol. 2007; 4(10):608-12.

Baylor Genetics
Classification: Pathogenic for Carney-Stratakis syndrome. Last evaluated: 2019-08-17. Review status: criteria provided, single submitter. Criteria: ACMG Guidelines, 2015. Collection method: clinical testing. Allele origin: unknown. Affected: yes.
Comment: This variant was determined to be pathogenic according to ACMG Guidelines, 2015 [PMID:25741868].

Genetic Services Laboratory, University of Chicago
Classification: Pathogenic. Last evaluated: 2018-05-04. Review status: criteria provided, single submitter. Criteria: ACMG Guidelines, 2015. Collection method: clinical testing. Allele origin: germline. Affected: yes.
Comment: This sequence change results in the creation of a premature stop codon at amino acid position 133, p.Arg133*. This pathogenic sequence change is predicted to result in an abnormal transcript, which may be degraded, or may lead to the production of a truncated SDHC protein with potentially abnormal function. This pathogenic sequence change has previously been described in several patient with paragangliomas (OMIM# 605373; Bickmann et. al., 2014; Lefebvre et. al., 2014; Zbuk et. al., 2007). This variant was also found in the germline heterozygous state in several family members that were affected with renal cell carcinoma (Ricketts et. al., 2012). Our interpretation is based on the current understanding of the genetics of SDHC-related disorders.

Quest Diagnostics Nichols Institute San Juan Capistrano
Classification: Pathogenic. Last evaluated: 2017-04-24. Review status: criteria provided, single submitter. Criteria: Quest Diagnostics criteria. Collection method: clinical testing. Allele origin: germline.

Center for Human Genetics, Inc
Classification: Pathogenic for Pheochromocytoma/paraganglioma syndrome 3. Last evaluated: 2016-11-01. Review status: criteria provided, single submitter. Criteria: ACMG Guidelines, 2015. Collection method: clinical testing. Allele origin: germline. Affected: yes.

Juno Genomics, Hangzhou Juno Genomics, Inc
Classification: Pathogenic for Pheochromocytoma/paraganglioma syndrome 3. Review status: criteria provided, single submitter. Criteria: ACMG Guidelines, 2015. Collection method: clinical testing. Allele origin: germline.
Comment: Absent from controls (or at extremely low frequency if recessive) in Genome Aggregation Database.;Null variant in a gene where loss of function (LOF) is a known mechanism of disease.;The prevalence of the variant in affected individuals is significantly increased compared to the prevalence in controls.;Co-segregation with disease in multiple affected family members.

Section on Medical Neuroendocrinolgy, National Institutes of Health
Classification: Pathogenic for Hereditary pheochromocytoma and paraganglioma. Review status: no assertion criteria provided. Collection method: research. Allele origin: germline. Affected: yes. Not counted in ClinVar's aggregate classification.

Literature cited by the submitters: PubMed 17898811 (cited by 4 submitters); PubMed 23083876 (cited by 5 submitters); PubMed 23282968 (cited by 4 submitters); PubMed 24423348 (cited by 5 submitters); PubMed 24523625 (cited by 5 submitters); PubMed 24758179 (cited by 6 submitters); PubMed 27700540 (cited by 7 submitters); PubMed 19454582 (cited by 4 submitters); PubMed 26492543 (cited by Ambry Genetics); PubMed 28819017 (cited by 4 submitters); PubMed 25024072 (cited by 4 submitters); PubMed 34750850 (cited by Color Diagnostics, LLC DBA Color Health and All of Us Research Program, National Institutes of Health).